The following is an entry in ClinVar:

ClinVar aggregate classification (germline): Uncertain significance (1 of 4 stars; one submission).

Allele frequency attached by ClinVar (database versions not stated): gnomAD exomes below 0.00001; TOPMed below 0.00001; ExAC 0.00001; gnomAD 0.00001; 1000 Genomes Project 30x 0.00016; 1000 Genomes Project 0.00020.
gnomAD v4.1: 3 of 1,614,100 alleles (0.00019%); highest among the groups gnomAD compares: Admixed American, 0.005%; no homozygotes.

Submission:

Labcorp Genetics (formerly Invitae), Labcorp
Classification: Uncertain significance. Last evaluated: 2020-10-26. Review status: criteria provided, single submitter. Criteria: Invitae Variant Classification Sherloc (09022015). Collection method: clinical testing. Allele origin: germline.
Comment: In summary, the available evidence is currently insufficient to determine the role of this variant in disease. Therefore, it has been classified as a Variant of Uncertain Significance. Algorithms developed to predict the effect of missense changes on protein structure and function are either unavailable or do not agree on the potential impact of this missense change (SIFT: "Deleterious"; PolyPhen-2: "Possibly Damaging"; Align-GVGD: "Class C15"). This variant has not been reported in the literature in individuals with CEP19-related conditions. This variant is present in population databases (rs185280915, ExAC 0.009%). This sequence change replaces asparagine with aspartic acid at codon 42 of the CEP19 protein (p.Asn42Asp). The asparagine residue is highly conserved and there is a small physicochemical difference between asparagine and aspartic acid.

NM_032898.5(CEP19):c.112A>G (p.Asn38Asp)

Gene: CEP19 (centrosomal protein 19; minus strand). Cytogenetic location: 3q29.
Variant type: single nucleotide variant.
Coding change: c.112A>G on transcript NM_032898.5 (MANE Select); coding-DNA position 112, A replaced by G.
Protein change: p.Asn38Asp; replaces asparagine 38 with aspartic acid.
Molecular consequence: missense variant. On other transcripts: intron variant (1).
Genome position (GRCh38, 1-based): chr3:196,708,546, T>C on the plus strand (A>G on the coding strand, the complement: CEP19 is on the minus strand). VCF-style: chr3-196708546-T-C. GRCh37 (hg19) VCF-style: chr3-196435417-T-C.
Other names: c.112A>G, p.Asn38Asp (NM_001379469.1, NM_001379470.1); c.26-634A>G (NM_001379468.1); short protein forms N38D.
Identifiers: ClinVar variation 1024378 (VCV001024378.5), dbSNP rs185280915, ClinGen allele CA2782163.